The following is an entry in ClinVar:

ClinVar aggregate classification (germline): Pathogenic (1 of 4 stars; one submission).

Conditions:
Wilson disease (WND). Also called: Wilson's disease. Identifiers: Orphanet 905, MedGen C0019202, MONDO:0010200, OMIM 277900. Disease mechanism: loss of function.

Submission:

Labcorp Genetics (formerly Invitae), Labcorp
Classification: Pathogenic for Wilson disease. Last evaluated: 2021-04-25. Review status: criteria provided, single submitter. Criteria: Invitae Variant Classification Sherloc (09022015). Collection method: clinical testing. Allele origin: germline.
Comment: This variant is not present in population databases (ExAC no frequency). This variant has been observed in individual(s) with Wilson disease (PMID: 30230192). For these reasons, this variant has been classified as Pathogenic. This sequence change creates a premature translational stop signal (p.Gly591Trpfs*17) in the ATP7B gene. It is expected to result in an absent or disrupted protein product. Loss-of-function variants in ATP7B are known to be pathogenic (PMID: 10441329, 16283883).

Literature cited by the submitters: PubMed 30230192; PubMed 10441329; PubMed 16283883.

NM_000053.4(ATP7B):c.1770dup (p.Gly591fs)

Gene: ATP7B (ATPase copper transporting beta; minus strand). Cytogenetic location: 13q14.3.
Variant type: Duplication.
Coding change: c.1770dup on transcript NM_000053.4 (MANE Select); coding-DNA position 1770, one base duplicated (T; older notation c.1770dupT).
Protein change: p.Gly591fs; shifts the reading frame from glycine 591.
Molecular consequence: frameshift variant.
Genome position (GRCh38, 1-based): chr13:51,964,971, A duplicated on the plus strand (T on the coding strand, the reverse complement: ATP7B is on the minus strand). VCF-style (leftmost placement, unchanged base first): chr13-51964970-C-CA. GRCh37 (hg19) VCF-style: chr13-52539106-C-CA.
Other names: c.1770dup, p.Gly591fs (NM_001005918.3, NM_001330578.2, NM_001330579.2); c.1437dup, p.Gly480fs (NM_001243182.2); short protein forms G591fs, G480fs.
Identifiers: ClinVar variation 1418970 (VCV001418970.8), dbSNP rs2139775159, ClinGen allele CA2573149659.
Genomic context (GRCh38, chr13:51,964,970, plus strand): 5'-CCGGGTCAAACTTAACAAGGGCTTTGCTGGTGGCAAGGGCAACGGAGGCATAAGTGATGC[C>CA]ATTTGTCCTCGTGAGTTTGGACTCTATGTTGTGGACACAGGACGCGCAGGTCATCCCTGT-3'